The following is an entry in ClinVar:

NM_000081.4(LYST):c.9377G>A (p.Gly3126Asp)

Gene: LYST (lysosomal trafficking regulator; minus strand). Cytogenetic location: 1q42.3.
Variant type: single nucleotide variant.
Coding change: c.9377G>A on transcript NM_000081.4 (MANE Select); coding-DNA position 9377, G replaced by A.
Protein change: p.Gly3126Asp; replaces glycine 3126 with aspartic acid.
Molecular consequence: missense variant.
Genome position (GRCh38, 1-based): chr1:235,720,844, C>T on the plus strand (G>A on the coding strand, the complement: LYST is on the minus strand). VCF-style: chr1-235720844-C-T. GRCh37 (hg19) VCF-style: chr1-235884144-C-T.
Other names: p.Gly3126Asp; c.9377G>A (NM_000081.2); c.9377G>A, p.Gly3126Asp (NM_001301365.1); short protein forms G3126D.
Identifiers: ClinVar variation 954688 (VCV000954688.6), dbSNP rs138997532, ClinGen allele CA1465597.
Genomic context (GRCh38, chr1:235,720,844, plus strand): 5'-AAATATTCAAAATTAGTAATTTGCCCAGTATACCATAAATTTGTCAGAGCGGTGATGTTA[C>T]CATATTCCAGAAGATTAGGGAGGTTATTTGTGAGTATATTGTGGTATACATCATCACGAA-3'
Protein context (NP_000072.2, residues 3116-3136): TNNLPNLLEY[Gly3126Asp]NITALTNLWY

ClinVar aggregate classification (germline): Uncertain significance. Review status: criteria provided, multiple submitters, no conflicts (2 of 4 stars). 4 submissions from 4 submitters: Uncertain significance (4). Last evaluated 2025-10-23.

Conditions:
Inborn genetic diseases. Identifiers: MedGen C0950123, MeSH D030342.
Chédiak-Higashi syndrome (CHS). Also called: Chediak-Higashi Syndrome. Identifiers: Orphanet 167, MedGen C0007965, MONDO:0008963, OMIM 214500.

Allele frequency attached by ClinVar (database versions not stated): gnomAD exomes 0.00002; ExAC 0.00003; gnomAD 0.00009; TOPMed 0.00014; 1000 Genomes Project 0.00020; ESP Exome Variant Server 0.00023; 1000 Genomes Project 30x 0.00031.
gnomAD v4.1: 38 of 1,613,428 alleles (0.0024%); highest among the groups gnomAD compares: African/African-American, 0.031%; no homozygotes.

Submissions (4):

Mayo Clinic Laboratories, Mayo Clinic
Classification: Uncertain significance. Last evaluated: 2025-10-23. Review status: criteria provided, single submitter. Criteria: ACMG Guidelines, 2015. Collection method: clinical testing. Allele origin: germline. Observed: 1 variant allele.
Comment: BP4, PM2_supporting

Ambry Genetics
Classification: Uncertain significance for Inborn genetic diseases. Last evaluated: 2025-10-21. Review status: criteria provided, single submitter. Criteria: Ambry Variant Classification Scheme 2023. Collection method: clinical testing. Allele origin: germline.

Labcorp Genetics (formerly Invitae), Labcorp
Classification: Uncertain significance for Chédiak-Higashi syndrome. Last evaluated: 2024-01-29. Review status: criteria provided, single submitter. Criteria: Invitae Variant Classification Sherloc (09022015). Collection method: clinical testing. Allele origin: germline.
Comment: This sequence change replaces glycine, which is neutral and non-polar, with aspartic acid, which is acidic and polar, at codon 3126 of the LYST protein (p.Gly3126Asp). This variant is present in population databases (rs138997532, gnomAD 0.03%). This variant has not been reported in the literature in individuals affected with LYST-related conditions. ClinVar contains an entry for this variant (Variation ID: 954688). Advanced modeling of protein sequence and biophysical properties (such as structural, functional, and spatial information, amino acid conservation, physicochemical variation, residue mobility, and thermodynamic stability) performed at Invitae indicates that this missense variant is not expected to disrupt LYST protein function with a negative predictive value of 80%. In summary, the available evidence is currently insufficient to determine the role of this variant in disease. Therefore, it has been classified as a Variant of Uncertain Significance.

Blueprint Genetics
Classification: Uncertain significance. Last evaluated: 2022-03-04. Review status: criteria provided, single submitter. Criteria: ACMG Guidelines, 2015. Collection method: clinical testing. Allele origin: germline.